The following is an entry in ClinVar:

ClinVar aggregate classification (germline): Likely pathogenic (1 of 4 stars; one submission).

Conditions:
Ectodermal dysplasia 9, hair/nail type (ECTD9). Identifiers: Orphanet 69084, MedGen C3554127, MONDO:0013976, OMIM 614931.

Submission:

Juno Genomics, Hangzhou Juno Genomics, Inc
Classification: Likely pathogenic for Ectodermal dysplasia 9, hair/nail type. Review status: criteria provided, single submitter. Criteria: ACMG Guidelines, 2015. Collection method: clinical testing. Allele origin: germline.
Comment: Absent from controls (or at extremely low frequency if recessive) in Genome Aggregation Database.;Null variant in a gene where loss of function (LOF) is a known mechanism of disease.

NM_017410.3(HOXC13):c.76_100del (p.Ser26fs)

Genes: HOXC13 (homeobox C13; plus strand), HOXC13-AS (HOXC13 antisense RNA; minus strand). Cytogenetic location: 12q13.13.
Variant type: Deletion.
Coding change: c.76_100del on transcript NM_017410.3 (MANE Select); coding-DNA positions 76 to 100, 25 bases deleted (AGCGGCATCGGCGGCGGCGGCGGAG).
Protein change: p.Ser26fs; shifts the reading frame from serine 26.
Molecular consequence: frameshift variant.
Genome position (GRCh38, 1-based): chr12:53,938,982-53,939,006, AGCGGCATCGGCGGCGGCGGCGGAG deleted; deleting any 25 consecutive bases within chr12:53,938,973-53,939,006 gives the same sequence; the c. name uses the placement nearest the transcript's 3' end. VCF-style (leftmost placement, unchanged base first): chr12-53938972-CGCGGCGGAGAGCGGCATCGGCGGCG-C. GRCh37 (hg19) VCF-style: chr12-54332756-CGCGGCGGAGAGCGGCATCGGCGGCG-C.
Other names: short protein forms S26fs.
Identifiers: ClinVar variation 5018832 (VCV005018832.2).